The following is an entry in ClinVar:

NM_014956.5(CEP164):c.3941A>G (p.Tyr1314Cys)

Gene: CEP164 (centrosomal protein 164; plus strand). Cytogenetic location: 11q23.3.
Variant type: single nucleotide variant.
Coding change: c.3941A>G on transcript NM_014956.5 (MANE Select); coding-DNA position 3941, A replaced by G.
Protein change: p.Tyr1314Cys; replaces tyrosine 1314 with cysteine.
Molecular consequence: missense variant.
Genome position (GRCh38, 1-based): chr11:117,409,810, A>G. VCF-style: chr11-117409810-A-G. GRCh37 (hg19) VCF-style: chr11-117280526-A-G.
Other names: c.3926A>G, p.Tyr1309Cys (NM_001271933.2); c.3947A>G, p.Tyr1316Cys (NM_001440949.1); c.3941A>G, p.Tyr1314Cys (NM_001440950.1, NM_001440951.1); c.3932A>G, p.Tyr1311Cys (NM_001440952.1); c.3917A>G, p.Tyr1306Cys (NM_001440953.1); c.3863A>G, p.Tyr1288Cys (NM_001440954.1, NM_001440955.1); c.3854A>G, p.Tyr1285Cys (NM_001440956.1); c.3851A>G, p.Tyr1284Cys (NM_001440957.1); and 21 more; short protein forms Y1238C, Y1239C, Y1256C, Y1259C, Y1260C, Y1280C, Y1285C, Y1288C.
Identifiers: ClinVar variation 4993937 (VCV004993937.1).

ClinVar aggregate classification (germline): Uncertain significance (1 of 4 stars; one submission).

Conditions:
CEP164-related disorder. Also called: CEP164-related condition.

Submission:

PreventionGenetics, part of Exact Sciences
Classification: Uncertain significance for CEP164-related condition. Last evaluated: 2026-04-23. Review status: criteria provided, single submitter. Criteria: ACMG Guidelines, 2015. Collection method: clinical testing. Allele origin: germline.
Comment: The CEP164 c.3941A>G variant is predicted to result in the amino acid substitution p.Tyr1314Cys. To our knowledge, this variant has not been reported in the literature or in a large population database (gnomAD), indicating this variant is rare. At this time, the clinical significance of this variant is uncertain due to the absence of conclusive functional and genetic evidence.